The following is an entry in ClinVar:

ClinVar aggregate classification (germline): Likely pathogenic (1 of 4 stars; one submission).

Submission:

Labcorp Genetics (formerly Invitae), Labcorp
Classification: Likely pathogenic. Last evaluated: 2020-08-20. Review status: criteria provided, single submitter. Criteria: Invitae Variant Classification Sherloc (09022015). Collection method: clinical testing. Allele origin: germline.
Comment: In summary, the currently available evidence indicates that the variant is pathogenic, but additional data are needed to prove that conclusively. Therefore, this variant has been classified as Likely Pathogenic. This variant is not present in population databases (ExAC no frequency). This variant has been observed in individual(s) with Usher syndrome (PMID: 12107438). It is also known as IVS8+2T>G in the literature. Algorithms developed to predict the effect of sequence changes on RNA splicing suggest that this variant may disrupt the consensus splice site, but this prediction has not been confirmed by published transcriptional studies. Donor and acceptor splice site variants typically lead to a loss of protein function (PMID: 16199547), and loss-of-function variants in USH1C are known to be pathogenic (PMID: 10973247, 17407589, 20301442, 21203349). This sequence change affects donnor splice site in intron 8 of the USH1C gene. It is expected to disrupt RNA splicing and likely results in an absent or disrupted protein product.

Literature cited by the submitters: PubMed 12107438; PubMed 16199547; PubMed 10973247; PubMed 17407589; PubMed 20301442; PubMed 21203349.

NC_000011.10:g.17526347dup

Gene: USH1C (USH1 protein network component harmonin; minus strand). Cytogenetic location: 11p15.1.
Variant type: Duplication.
Genome position: GRCh38 VCF-style: chr11-17526345-A-AC. GRCh37 (hg19) VCF-style: chr11-17547892-A-AC.
Identifiers: ClinVar variation 1067282 (VCV001067282.9), dbSNP rs1554961872, ClinGen allele CA2499220842.